The following is an entry in ClinVar:

ClinVar aggregate classification (germline): Uncertain significance (1 of 4 stars; one submission).

Submission:

Labcorp Genetics (formerly Invitae), Labcorp
Classification: Uncertain significance. Last evaluated: 2019-09-30. Review status: criteria provided, single submitter. Criteria: Invitae Variant Classification Sherloc (09022015). Collection method: clinical testing. Allele origin: germline.
Comment: In summary, the available evidence is currently insufficient to determine the role of this variant in disease. Therefore, it has been classified as a Variant of Uncertain Significance. Algorithms developed to predict the effect of missense changes on protein structure and function are either unavailable or do not agree on the potential impact of this missense change (SIFT: "Tolerated"; PolyPhen-2: "Possibly Damaging"; Align-GVGD: "Class C0"). This variant has not been reported in the literature in individuals with KPNA7-related conditions. This variant is not present in population databases (ExAC no frequency). This sequence change replaces leucine with arginine at codon 211 of the KPNA7 protein (p.Leu211Arg). The leucine residue is weakly conserved and there is a moderate physicochemical difference between leucine and arginine.

NM_001145715.3(KPNA7):c.632T>G (p.Leu211Arg)

Gene: KPNA7 (karyopherin subunit alpha 7; minus strand). Cytogenetic location: 7q22.1.
Variant type: single nucleotide variant.
Coding change: c.632T>G on transcript NM_001145715.3 (MANE Select); coding-DNA position 632, T replaced by G.
Protein change: p.Leu211Arg; replaces leucine 211 with arginine.
Molecular consequence: missense variant.
Genome position (GRCh38, 1-based): chr7:99,193,023, A>C on the plus strand (T>G on the coding strand, the complement: KPNA7 is on the minus strand). VCF-style: chr7-99193023-A-C. GRCh37 (hg19) VCF-style: chr7-98790646-A-C.
Other names: short protein forms L211R.
Identifiers: ClinVar variation 953874 (VCV000953874.8), dbSNP rs1374673893, ClinGen allele CA368420134.